The following is an entry in ClinVar:

NM_014921.5(ADGRL1):c.671G>A (p.Arg224His)

Genes: ADGRL1 (adhesion G protein-coupled receptor L1; minus strand), ADGRL1-AS1 (ADGRL1 antisense RNA 1; plus strand). Cytogenetic location: 19p13.12.
Variant type: single nucleotide variant.
Coding change: c.671G>A on transcript NM_014921.5 (MANE Select); coding-DNA position 671, G replaced by A.
Protein change: p.Arg224His; replaces arginine 224 with histidine.
Molecular consequence: missense variant.
Genome position (GRCh38, 1-based): chr19:14,163,130, C>T on the plus strand (G>A on the coding strand, the complement: ADGRL1 is on the minus strand). VCF-style: chr19-14163130-C-T. GRCh37 (hg19) VCF-style: chr19-14273942-C-T.
Other names: c.686G>A, p.Arg229His (NM_001008701.3); short protein forms R224H, R229H.
Identifiers: ClinVar variation 2664815 (VCV002664815.1), dbSNP rs1251422301, ClinGen allele CA404413599.

ClinVar aggregate classification (germline): Uncertain significance (1 of 4 stars; one submission).

Conditions:
Developmental delay, behavioral abnormalities, and neuropsychiatric disorders (DEDBANP). Identifiers: MedGen C5774224, MONDO:0859292, OMIM 620065.

Allele frequency attached by ClinVar (database versions not stated): gnomAD exomes below 0.00001; gnomAD 0.00001; TOPMed 0.00001.
gnomAD v4.1: 4 of 1,613,900 alleles (0.00025%); highest among the groups gnomAD compares: South Asian, 0.0011%; no homozygotes.

Submission:

Genetics and Molecular Pathology, SA Pathology
Classification: Uncertain significance for Developmental delay, behavioral abnormalities, and neuropsychiatric disorders. Last evaluated: 2022-11-21. Review status: criteria provided, single submitter. Criteria: ACMG Guidelines, 2015. Collection method: clinical testing. Allele origin: germline. Inheritance: Autosomal dominant inheritance. Affected: yes.
Comment: The ADGRL1 c.686G>A variant is classified as VUS (PP3) The ADGRL1 c.686G>A variant is a single nucleotide change in exon 6/24 of the ADGRL1 gene, which is predicted to change the amino acid arginine at position 229 in the protein to histidine. This variant is present at low frequency in population databases (gnomAD allele frequency = 0.00065%; 1 het and 0 hom in 152190 sequenced alleles; highest frequency = 0.0014%, Non-Finnish European population) (PM2 not applied). Computational predictions support a deleterious effect on the gene or gene product (PP3). The variant has been reported in dbSNP (rs1251422301). It has not been reported in ClinVar or HGMD.